The following is an entry in ClinVar:

NM_005996.4(TBX3):c.1780_1797dup (p.Ala599_Ser600insAlaSerSerAlaAlaAla)

Gene: TBX3 (T-box transcription factor 3; minus strand). Cytogenetic location: 12q24.21.
Variant type: Duplication.
Coding change: c.1780_1797dup on transcript NM_005996.4 (MANE Select); coding-DNA positions 1780 to 1797, 18 bases duplicated (GCCTCCTCTGCGGCAGCC).
Protein change: p.Ala599_Ser600insAlaSerSerAlaAlaAla.
Genome position (GRCh38, 1-based): chr12:114,672,216-114,672,233, GGCTGCCGCAGAGGAGGC duplicated on the plus strand (GCCTCCTCTGCGGCAGCC on the coding strand, the reverse complement: TBX3 is on the minus strand); duplicating any 18 consecutive bases within chr12:114,672,216-114,672,236 gives the same sequence; the c. name uses the placement nearest the transcript's 3' end. VCF-style (leftmost placement, unchanged base first): chr12-114672215-A-AGGCTGCCGCAGAGGAGGC. GRCh37 (hg19) VCF-style: chr12-115110020-A-AGGCTGCCGCAGAGGAGGC.
Other names: c.1840_1857dup, p.Ala619_Ser620insAlaSerSerAlaAlaAla (NM_016569.4).
Identifiers: ClinVar variation 3686788 (VCV003686788.2).

ClinVar aggregate classification (germline): Uncertain significance (1 of 4 stars; one submission).

Conditions:
Ulnar-mammary syndrome (UMS). Also called: SCHINZEL SYNDROME; Ulnar-mammary syndrome of Pallister; PALLISTER ULNAR-MAMMARY SYNDROME. Identifiers: Orphanet 3138, MedGen C1866994, MONDO:0008411, OMIM 181450.

Submission:

Labcorp Genetics (formerly Invitae), Labcorp
Classification: Uncertain significance for Ulnar-mammary syndrome. Last evaluated: 2024-02-20. Review status: criteria provided, single submitter. Criteria: Invitae Variant Classification Sherloc (09022015). Collection method: clinical testing. Allele origin: germline.
Comment: This variant, c.1780_1797dup, results in the insertion of 6 amino acid(s) of the TBX3 protein (p.Ala594_Ala599dup), but otherwise preserves the integrity of the reading frame. This variant is not present in population databases (gnomAD no frequency). This variant has not been reported in the literature in individuals affected with TBX3-related conditions. In summary, the available evidence is currently insufficient to determine the role of this variant in disease. Therefore, it has been classified as a Variant of Uncertain Significance.